The following is an entry in ClinVar:

ClinVar aggregate classification (germline): Uncertain significance (1 of 4 stars; one submission).

Conditions:
Tay-Sachs disease (TSD). Also called: HEXA DEFICIENCY; GM2 gangliosidosis, type 1; Hexosaminidase alpha-subunit deficiency (variant B); Sphingolipidosis, Tay-Sachs; Hexosaminidase A Deficiency; HEXA Disorders. Identifiers: Orphanet 845, MedGen C0039373, MONDO:0010100, OMIM 272800.

Allele frequency attached by ClinVar (database versions not stated): gnomAD exomes below 0.00001; TOPMed below 0.00001.

Submission:

Labcorp Genetics (formerly Invitae), Labcorp
Classification: Uncertain significance for Tay-Sachs disease. Last evaluated: 2026-02-02. Review status: criteria provided, single submitter. Criteria: Invitae Variant Classification Sherloc (09022015). Collection method: clinical testing. Allele origin: germline.
Comment: This sequence change replaces phenylalanine, which is neutral and non-polar, with leucine, which is neutral and non-polar, at codon 46 of the HEXA protein (p.Phe46Leu). This variant is present in population databases (no rsID available, gnomAD 0.0009%). This variant has not been reported in the literature in individuals affected with HEXA-related conditions. ClinVar contains an entry for this variant (Variation ID: 1380918). Invitae Evidence Modeling of protein sequence and biophysical properties (such as structural, functional, and spatial information, amino acid conservation, physicochemical variation, residue mobility, and thermodynamic stability) has been performed for this missense variant. However, the output from this modeling did not meet the statistical confidence thresholds required to predict the impact of this variant on HEXA protein function. In summary, the available evidence is currently insufficient to determine the role of this variant in disease. Therefore, it has been classified as a Variant of Uncertain Significance.

NM_000520.6(HEXA):c.136T>C (p.Phe46Leu)

Gene: HEXA (hexosaminidase subunit alpha; minus strand). Cytogenetic location: 15q23.
Variant type: single nucleotide variant.
Coding change: c.136T>C on transcript NM_000520.6 (MANE Select); coding-DNA position 136, T replaced by C.
Protein change: p.Phe46Leu; replaces phenylalanine 46 with leucine.
Molecular consequence: missense variant. On other transcripts: non-coding transcript variant (1).
Genome position (GRCh38, 1-based): chr15:72,375,837, A>G on the plus strand (T>C on the coding strand, the complement: HEXA is on the minus strand). VCF-style: chr15-72375837-A-G. GRCh37 (hg19) VCF-style: chr15-72668178-A-G.
Other names: c.136T>C, p.Phe46Leu (NM_001318825.2); short protein forms F46L.
Identifiers: ClinVar variation 1380918 (VCV001380918.6), dbSNP rs1287127671, ClinGen allele CA393070444.